The following is an entry in ClinVar:

ClinVar aggregate classification (germline): Uncertain significance (1 of 4 stars; one submission).

Allele frequency attached by ClinVar (database versions not stated): gnomAD exomes 0.00001; ExAC 0.00002; gnomAD 0.00002; TOPMed 0.00003.

Submission:

Labcorp Genetics (formerly Invitae), Labcorp
Classification: Uncertain significance. Last evaluated: 2022-10-04. Review status: criteria provided, single submitter. Criteria: Invitae Variant Classification Sherloc (09022015). Collection method: clinical testing. Allele origin: germline.
Comment: This sequence change replaces arginine, which is basic and polar, with histidine, which is basic and polar, at codon 592 of the COL7A1 protein (p.Arg592His). This variant is present in population databases (rs780651737, gnomAD 0.007%). This variant has not been reported in the literature in individuals affected with COL7A1-related conditions. Advanced modeling of protein sequence and biophysical properties (such as structural, functional, and spatial information, amino acid conservation, physicochemical variation, residue mobility, and thermodynamic stability) performed at Invitae indicates that this missense variant is not expected to disrupt COL7A1 protein function. In summary, the available evidence is currently insufficient to determine the role of this variant in disease. Therefore, it has been classified as a Variant of Uncertain Significance.

NM_000094.4(COL7A1):c.1775G>A (p.Arg592His)

Gene: COL7A1 (collagen type VII alpha 1 chain; minus strand). Cytogenetic location: 3p21.31.
Variant type: single nucleotide variant.
Coding change: c.1775G>A on transcript NM_000094.4 (MANE Select); coding-DNA position 1775, G replaced by A.
Protein change: p.Arg592His; replaces arginine 592 with histidine.
Molecular consequence: missense variant.
Genome position (GRCh38, 1-based): chr3:48,590,678, C>T on the plus strand (G>A on the coding strand, the complement: COL7A1 is on the minus strand). VCF-style: chr3-48590678-C-T. GRCh37 (hg19) VCF-style: chr3-48628111-C-T.
Other names: short protein forms R592H.
Identifiers: ClinVar variation 2156533 (VCV002156533.1), dbSNP rs780651737, ClinGen allele CA2381124.